The following is an entry in ClinVar:

NM_033118.4(MYLK2):c.572C>T (p.Ala191Val)

Gene: MYLK2 (myosin light chain kinase 2; plus strand). Cytogenetic location: 20q11.21.
Variant type: single nucleotide variant.
Coding change: c.572C>T on transcript NM_033118.4 (MANE Select); coding-DNA position 572, C replaced by T.
Protein change: p.Ala191Val; replaces alanine 191 with valine.
Molecular consequence: missense variant.
Genome position (GRCh38, 1-based): chr20:31,821,537, C>T. VCF-style: chr20-31821537-C-T. GRCh37 (hg19) VCF-style: chr20-30409340-C-T.
Other names: c.572C>T (NM_033118.3); short protein forms A191V.
Identifiers: ClinVar variation 1445182 (VCV001445182.10), dbSNP rs778578033, ClinGen allele CA9802958.

ClinVar aggregate classification (germline): Uncertain significance. Review status: criteria provided, multiple submitters, no conflicts (2 of 4 stars). 3 submissions from 3 submitters: Uncertain significance (3). Last evaluated 2025-04-24.

Conditions:
Hypertrophic cardiomyopathy 1 (CMH1). Also called: MYH7-Related Familial Hypertrophic Cardiomyopathy; Familial hypertrophic cardiomyopathy 1. Identifiers: MedGen C3495498, MONDO:0008647, OMIM 192600.

Allele frequency attached by ClinVar (database versions not stated): gnomAD exomes below 0.00001 and 0.00001; ExAC 0.00002; TOPMed 0.00004; gnomAD 0.00005 and 0.00006.
gnomAD v4.1: 10 of 1,613,928 alleles (0.00062%); highest among the groups gnomAD compares: African/African-American, 0.013%; no homozygotes.

Submissions (3):

GeneDx
Classification: Uncertain significance. Last evaluated: 2025-04-24. Review status: criteria provided, single submitter. Criteria: GeneDx Variant Classification Process June 2021. Collection method: clinical testing. Allele origin: germline. Affected: yes.
Comment: Not observed at significant frequency in large population cohorts (gnomAD); In silico analysis indicates that this missense variant does not alter protein structure/function; Has not been previously published as pathogenic or benign to our knowledge

Labcorp Genetics (formerly Invitae), Labcorp
Classification: Uncertain significance for Hypertrophic cardiomyopathy 1. Last evaluated: 2025-01-31. Review status: criteria provided, single submitter. Criteria: Invitae Variant Classification Sherloc (09022015). Collection method: clinical testing. Allele origin: germline.
Comment: This sequence change replaces alanine, which is neutral and non-polar, with valine, which is neutral and non-polar, at codon 191 of the MYLK2 protein (p.Ala191Val). This variant is present in population databases (rs778578033, gnomAD 0.02%). This variant has not been reported in the literature in individuals affected with MYLK2-related conditions. ClinVar contains an entry for this variant (Variation ID: 1445182). Invitae Evidence Modeling of protein sequence and biophysical properties (such as structural, functional, and spatial information, amino acid conservation, physicochemical variation, residue mobility, and thermodynamic stability) indicates that this missense variant is not expected to disrupt MYLK2 protein function with a negative predictive value of 80%. In summary, the available evidence is currently insufficient to determine the role of this variant in disease. Therefore, it has been classified as a Variant of Uncertain Significance.

Ambry Genetics
Classification: Uncertain significance. Last evaluated: 2024-09-10. Review status: criteria provided, single submitter. Criteria: Ambry Variant Classification Scheme 2023. Collection method: clinical testing. Allele origin: germline.